The following is an entry in ClinVar:

NM_000503.6(EYA1):c.1299G>T (p.Lys433Asn)

Gene: EYA1 (EYA transcriptional coactivator and phosphatase 1; minus strand). Cytogenetic location: 8q13.3.
Variant type: single nucleotide variant.
Coding change: c.1299G>T on transcript NM_000503.6 (MANE Select); coding-DNA position 1299, G replaced by T.
Protein change: p.Lys433Asn; replaces lysine 433 with asparagine.
Molecular consequence: missense variant.
Genome position (GRCh38, 1-based): chr8:71,216,753, C>A on the plus strand (G>T on the coding strand, the complement: EYA1 is on the minus strand). VCF-style: chr8-71216753-C-A. GRCh37 (hg19) VCF-style: chr8-72128988-C-A.
Other names: c.1386G>T, p.Lys462Asn (NM_001370333.1); c.1299G>T, p.Lys433Asn (NM_001370334.1, NM_001370335.1, NM_172058.4); c.1278G>T, p.Lys426Asn (NM_001370336.1); c.1200G>T, p.Lys400Asn (NM_001411797.1, NM_172060.4); c.1281G>T, p.Lys427Asn (NM_172059.5, NM_001288574.2); c.933G>T, p.Lys311Asn (NM_001288575.2); short protein forms K433N, K400N, K311N, K426N, K427N, K462N.
Identifiers: ClinVar variation 3662865 (VCV003662865.2).

ClinVar aggregate classification (germline): Uncertain significance (1 of 4 stars; one submission).

Conditions:
Melnick-Fraser syndrome (BOR). Also called: Branchiootorenal syndrome; Branchio-oto-renal syndrome; Branchiootorenal Syndrome (BORS). Identifiers: Orphanet 107, MedGen C0265234, MONDO:0007029.

gnomAD v4.1: 2 of 1,614,114 alleles (0.00012%); highest among the groups gnomAD compares: Non-Finnish European, 0.00017%; no homozygotes.

Submission:

Labcorp Genetics (formerly Invitae), Labcorp
Classification: Uncertain significance for Melnick-Fraser syndrome. Last evaluated: 2024-08-31. Review status: criteria provided, single submitter. Criteria: Invitae Variant Classification Sherloc (09022015). Collection method: clinical testing. Allele origin: germline.
Comment: This sequence change replaces lysine, which is basic and polar, with asparagine, which is neutral and polar, at codon 433 of the EYA1 protein (p.Lys433Asn). This variant is not present in population databases (gnomAD no frequency). This variant has not been reported in the literature in individuals affected with EYA1-related conditions. Invitae Evidence Modeling of protein sequence and biophysical properties (such as structural, functional, and spatial information, amino acid conservation, physicochemical variation, residue mobility, and thermodynamic stability) has been performed for this missense variant. However, the output from this modeling did not meet the statistical confidence thresholds required to predict the impact of this variant on EYA1 protein function. In summary, the available evidence is currently insufficient to determine the role of this variant in disease. Therefore, it has been classified as a Variant of Uncertain Significance.